The following is an entry in ClinVar:

NM_006269.2(RP1):c.6281A>T (p.His2094Leu)

Gene: RP1 (RP1 axonemal microtubule associated; plus strand). Cytogenetic location: 8q12.1.
Variant type: single nucleotide variant.
Coding change: c.6281A>T on transcript NM_006269.2 (MANE Select); coding-DNA position 6281, A replaced by T.
Protein change: p.His2094Leu; replaces histidine 2094 with leucine.
Molecular consequence: missense variant. On other transcripts: intron variant (1).
Genome position (GRCh38, 1-based): chr8:54,630,163, A>T. VCF-style: chr8-54630163-A-T. GRCh37 (hg19) VCF-style: chr8-55542723-A-T.
Other names: c.787+7875A>T (NM_001375654.1); short protein forms H2094L.
Identifiers: ClinVar variation 3707018 (VCV003707018.2).

ClinVar aggregate classification (germline): Uncertain significance (1 of 4 stars; one submission).

gnomAD v4.1: 2 of 1,613,780 alleles (0.00012%); highest among the groups gnomAD compares: African/African-American, 0.0027%; no homozygotes.

Submission:

Labcorp Genetics (formerly Invitae), Labcorp
Classification: Uncertain significance. Last evaluated: 2024-10-21. Review status: criteria provided, single submitter. Criteria: Invitae Variant Classification Sherloc (09022015). Collection method: clinical testing. Allele origin: germline.
Comment: This sequence change replaces histidine, which is basic and polar, with leucine, which is neutral and non-polar, at codon 2094 of the RP1 protein (p.His2094Leu). This variant is present in population databases (rs748329990, gnomAD 0.007%). This variant has not been reported in the literature in individuals affected with RP1-related conditions. An algorithm developed to predict the effect of missense changes on protein structure and function outputs the following: PolyPhen-2: "Benign". The leucine amino acid residue is found in multiple mammalian species, which suggests that this missense change does not adversely affect protein function. In summary, the available evidence is currently insufficient to determine the role of this variant in disease. Therefore, it has been classified as a Variant of Uncertain Significance.